The following is an entry in ClinVar:

ClinVar aggregate classification (germline): Pathogenic (1 of 4 stars; one submission).

Conditions:
Fetal anomalies with a likely genetic cause.

gnomAD v4.1: 4 of 1,586,692 alleles (0.00025%); highest among the groups gnomAD compares: Non-Finnish European, 0.00034%; no homozygotes.

Submission:

Genetics Laboratory, Great Ormond Street Hospital NHS Foundation Trust, North Thames Genomic Laboratory Hub
Classification: Pathogenic for Fetal anomalies with a likely genetic cause. Last evaluated: 2026-02-26. Review status: criteria provided, single submitter. Criteria: ACGS Best Practice Guidelines for Variant Classification in Rare Disease 2024 v1.2. Collection method: clinical testing. Allele origin: germline. Affected: yes.
Comment: PM2_moderate, PVS1_very-strong

NM_176787.5(PIGN):c.1604C>G (p.Ser535Ter)

Gene: PIGN (phosphatidylinositol glycan anchor biosynthesis class N; minus strand). Cytogenetic location: 18q21.33.
Variant type: single nucleotide variant.
Coding change: c.1604C>G on transcript NM_176787.5 (MANE Select); coding-DNA position 1604, C replaced by G.
Protein change: p.Ser535Ter; replaces serine 535 with a stop codon.
Molecular consequence: nonsense.
Genome position (GRCh38, 1-based): chr18:62,107,056, G>C on the plus strand (C>G on the coding strand, the complement: PIGN is on the minus strand). VCF-style: chr18-62107056-G-C. GRCh37 (hg19) VCF-style: chr18-59774289-G-C.
Other names: c.1604C>G, p.Ser535Ter (NM_001438896.1, NM_001438904.1, NM_001438905.1 and 1 more transcripts); c.1202C>G, p.Ser401Ter (NM_001438910.1); short protein forms S401*, S535*.
Identifiers: ClinVar variation 4845305 (VCV004845305.1).